The following is an entry in ClinVar:

ClinVar aggregate classification (germline): Uncertain significance (1 of 4 stars; one submission).

gnomAD v4.1: 1 of 1,614,174 alleles (0.000062%); highest among the groups gnomAD compares: Non-Finnish European, 0.000085%; no homozygotes.

Submission:

Women's Health and Genetics/Laboratory Corporation of America, LabCorp
Classification: Uncertain significance. Last evaluated: 2025-04-15. Review status: criteria provided, single submitter. Criteria: LabCorp Variant Classification Summary - May 2015. Collection method: clinical testing. Allele origin: germline.
Comment: Variant summary: TGM1 c.1097T>C (p.Leu366Pro) results in a non-conservative amino acid change in the encoded protein sequence. Three of five in-silico tools predict a damaging effect of the variant on protein function. The variant was absent in 251260 control chromosomes. c.1097T>C has been observed in at-least two compound heterozygous individual(s) affected with Lamellar Ichthyosis (example: Cucuzza_2018, Herman_2009). These data indicate that the variant may be associated with disease. To our knowledge, no experimental evidence demonstrating an impact on protein function has been reported. The following publications have been ascertained in the context of this evaluation (PMID: 19241467, 34851365, 30166818). No submitters have cited clinical-significance assessments for this variant to ClinVar. Based on the evidence outlined above, the variant was classified as VUS-possibly pathogenic.

Literature cited by the submitters: PubMed 19241467; PubMed 34851365; PubMed 30166818.

NM_000359.3(TGM1):c.1097T>C (p.Leu366Pro)

Gene: TGM1 (transglutaminase 1; minus strand). Cytogenetic location: 14q12.
Variant type: single nucleotide variant.
Coding change: c.1097T>C on transcript NM_000359.3 (MANE Select); coding-DNA position 1097, T replaced by C.
Protein change: p.Leu366Pro; replaces leucine 366 with proline.
Molecular consequence: missense variant.
Genome position (GRCh38, 1-based): chr14:24,259,137, A>G on the plus strand (T>C on the coding strand, the complement: TGM1 is on the minus strand). VCF-style: chr14-24259137-A-G. GRCh37 (hg19) VCF-style: chr14-24728343-A-G.
Other names: short protein forms L366P.
Identifiers: ClinVar variation 3896258 (VCV003896258.2).